The following is an entry in ClinVar:

ClinVar aggregate classification (germline): Likely pathogenic (1 of 4 stars; one submission).

Submission:

Labcorp Genetics (formerly Invitae), Labcorp
Classification: Likely pathogenic. Last evaluated: 2023-02-23. Review status: criteria provided, single submitter. Criteria: Invitae Variant Classification Sherloc (09022015). Collection method: clinical testing. Allele origin: germline.
Comment: In summary, the currently available evidence indicates that the variant is pathogenic, but additional data are needed to prove that conclusively. Therefore, this variant has been classified as Likely Pathogenic. Algorithms developed to predict the effect of sequence changes on RNA splicing suggest that this variant may disrupt the consensus splice site. This variant has not been reported in the literature in individuals affected with COL7A1-related conditions. This variant is not present in population databases (gnomAD no frequency). This variant results in the deletion of part of exon 18 (c.2315-11_2316del) of the COL7A1 gene. It is expected to disrupt RNA splicing. Variants that disrupt the donor or acceptor splice site typically lead to a loss of protein function (PMID: 16199547), and loss-of-function variants in COL7A1 are known to be pathogenic (PMID: 16971478).

Literature cited by the submitters: PubMed 16199547; PubMed 16971478.

NM_000094.4(COL7A1):c.2315-11_2316del

Gene: COL7A1 (collagen type VII alpha 1 chain; minus strand). Cytogenetic location: 3p21.31.
Variant type: Deletion.
Coding change: c.2315-11_2316del on transcript NM_000094.4 (MANE Select); 11 bases into the intron before coding-DNA position 2315 through coding-DNA position 2316, 13 bases deleted (TCTGTCCCCAGCC).
Molecular consequence: splice acceptor variant.
Genome position (GRCh38, 1-based): chr3:48,588,994-48,589,006, GGCTGGGGACAGA deleted on the plus strand (TCTGTCCCCAGCC on the coding strand, the reverse complement: COL7A1 is on the minus strand); deleting any 13 consecutive bases within chr3:48,588,994-48,589,009 gives the same sequence; the c. name uses the placement nearest the transcript's 3' end. VCF-style (leftmost placement, unchanged base first): chr3-48588993-GGGCTGGGGACAGA-G. GRCh37 (hg19) VCF-style: chr3-48626426-GGGCTGGGGACAGA-G.
Identifiers: ClinVar variation 2839923 (VCV002839923.3), dbSNP rs2531267500, ClinGen allele CA2739277933.
Genomic context (GRCh38, chr3:48,588,993, plus strand): 5'-GTAGAACGTCGCTGGAAGCATTGAGGATCTGCAGCCTCGACACACGACCCACAGGCTCAG[GGGCTGGGGACAGA>G]GGCAAGGTAAGGGGTCCTGGTAGAGAACAGAGAGGCAGTGCAGGAATGGTTGACGCAGGG-3'